The following is an entry in ClinVar:

ClinVar aggregate classification (germline): Uncertain significance. Review status: criteria provided, multiple submitters, no conflicts (2 of 4 stars). 2 submissions from 2 submitters: Uncertain significance (2). Last evaluated 2022-09-14.

Conditions:
Developmental and epileptic encephalopathy, 53. Also called: Epileptic encephalopathy, early infantile, 53. Identifiers: MedGen C4479313, MONDO:0033362, OMIM 617389.
Early-onset Parkinson disease 20. Also called: PARKINSON DISEASE 20, AUTOSOMAL RECESSIVE EARLY-ONSET. Identifiers: Orphanet 391411, MedGen C3809824, MONDO:0014233, OMIM 615530.
Inborn genetic diseases. Identifiers: MedGen C0950123, MeSH D030342.

Allele frequency attached by ClinVar (database versions not stated): 1000 Genomes Project below 0.00001; gnomAD exomes below 0.00001.
gnomAD v4.1: 12 of 1,614,222 alleles (0.00074%); highest among the groups gnomAD compares: African/African-American, 0.004%; no homozygotes.

Submissions (2):

Ambry Genetics
Classification: Uncertain significance for Inborn genetic diseases. Last evaluated: 2022-09-14. Review status: criteria provided, single submitter. Criteria: Ambry Variant Classification Scheme 2023. Collection method: clinical testing. Allele origin: germline.

Labcorp Genetics (formerly Invitae), Labcorp
Classification: Uncertain significance for Developmental and epileptic encephalopathy, 53; Early-onset Parkinson disease 20. Last evaluated: 2022-08-09. Review status: criteria provided, single submitter. Criteria: Invitae Variant Classification Sherloc (09022015). Collection method: clinical testing. Allele origin: germline.
Comment: This sequence change replaces serine, which is neutral and polar, with threonine, which is neutral and polar, at codon 1535 of the SYNJ1 protein (p.Ser1535Thr). This variant is present in population databases (rs138122167, gnomAD 0.007%). This variant has not been reported in the literature in individuals affected with SYNJ1-related conditions. ClinVar contains an entry for this variant (Variation ID: 478359). Algorithms developed to predict the effect of missense changes on protein structure and function (SIFT, PolyPhen-2, Align-GVGD) all suggest that this variant is likely to be tolerated. In summary, the available evidence is currently insufficient to determine the role of this variant in disease. Therefore, it has been classified as a Variant of Uncertain Significance.

NM_203446.3(SYNJ1):c.*574T>A

Gene: SYNJ1 (synaptojanin 1; minus strand). Cytogenetic location: 21q22.11.
Variant type: single nucleotide variant.
Coding change: c.*574T>A on transcript NM_203446.3 (MANE Select); 574 bases downstream of the stop codon, T replaced by A.
Molecular consequence: 3 prime UTR variant. On other transcripts: missense variant (2).
Genome position (GRCh38, 1-based): chr21:32,631,231, A>T on the plus strand (T>A on the coding strand, the complement: SYNJ1 is on the minus strand). VCF-style: chr21-32631231-A-T. GRCh37 (hg19) VCF-style: chr21-34003541-A-T.
Other names: c.*574T>A (NM_001160302.2); c.4345T>A, p.Ser1449Thr (NM_001160306.2); c.4603T>A, p.Ser1535Thr (NM_003895.4); short protein forms S1535T, S1449T.
Identifiers: ClinVar variation 478359 (VCV000478359.5), dbSNP rs138122167, ClinGen allele CA319449810.